The following is an entry in ClinVar:

NM_001174072.3(SERINC5):c.1365C>T (p.Pro455=)

Gene: SERINC5 (serine incorporator 5; minus strand). Cytogenetic location: 5q14.1.
Variant type: single nucleotide variant.
Coding change: c.1365C>T on transcript NM_001174072.3 (MANE Select); coding-DNA position 1365, C replaced by T.
Protein change: p.Pro455=; no amino-acid change (proline 455 retained).
Molecular consequence: synonymous variant. On other transcripts: intron variant (2).
Genome position (GRCh38, 1-based): chr5:80,143,684, G>A on the plus strand (C>T on the coding strand, the complement: SERINC5 is on the minus strand). VCF-style: chr5-80143684-G-A. GRCh37 (hg19) VCF-style: chr5-79439507-G-A.
Other names: c.1238+2406C>T (NM_001174071.3, NM_178276.7).
Identifiers: ClinVar variation 2655567 (VCV002655567.24), dbSNP rs552728668, ClinGen allele CA3324721.

ClinVar aggregate classification (germline): Likely benign (1 of 4 stars; one submission).

Allele frequency attached by ClinVar (database versions not stated): 1000 Genomes Project 30x 0.00234; ExAC 0.00269; 1000 Genomes Project 0.00280; gnomAD 0.00810.
gnomAD v4.1: 11,899 of 1,536,062 alleles (0.77%); highest among the groups gnomAD compares: Non-Finnish European, 0.81%; 116 homozygotes.

Submission:

CeGaT Center for Human Genetics Tuebingen
Classification: Likely benign. Last evaluated: 2022-12-01. Review status: criteria provided, single submitter. Criteria: CeGaT Center For Human Genetics Tuebingen Variant Classification Criteria Version 2. Collection method: clinical testing. Allele origin: germline. Affected: yes. Observed: 2 variant alleles.
Comment: SERINC5: BP4, BP7, BS2